The following is an entry in ClinVar:

NM_003126.4(SPTA1):c.-58CT[12]

Gene: SPTA1 (spectrin alpha, erythrocytic 1; minus strand). Cytogenetic location: 1q23.1.
Variant type: Microsatellite.
Coding change: c.-58CT[12] on transcript NM_003126.4 (MANE Select); 12 copies in a row of the 2-base unit CT starting at c.-58; the reference has nine copies in a row; three copies, 6 bases duplicated.
Molecular consequence: 5 prime UTR variant.
Genome position (GRCh38, 1-based): chr1:158,686,558-158,686,563, AGAGAG duplicated on the plus strand (CTCTCT on the coding strand, the reverse complement: SPTA1 is on the minus strand); duplicating any 6 consecutive bases within chr1:158,686,558-158,686,576 gives the same sequence; the position shown is the placement nearest the transcript's 3' end. VCF-style (leftmost placement, unchanged base first): chr1-158686557-C-CAGAGAG. GRCh37 (hg19) VCF-style: chr1-158656347-C-CAGAGAG.
Other names: c.-46_-41dup (NM_003126.4).
Identifiers: ClinVar variation 293063 (VCV000293063.7), dbSNP rs111674514, ClinGen allele CA1184312.

ClinVar aggregate classification (germline): Conflicting classifications of pathogenicity. Review status: criteria provided, conflicting classifications (1 of 4 stars). 2 submissions from 2 submitters: Uncertain significance (1); Likely benign (1). Last evaluated 2025-10-27.

Submissions (2):

Mayo Clinic Laboratories, Mayo Clinic
Classification: Likely benign. Last evaluated: 2025-10-27. Review status: criteria provided, single submitter. Criteria: ACMG Guidelines, 2015. Collection method: clinical testing. Allele origin: germline. Observed: 7 variant alleles.
Comment: BP4, BP7, PM2_moderate

Breakthrough Genomics
Classification: Uncertain significance. Review status: criteria provided, single submitter. Criteria: ACMG Guidelines, 2015. Collection method: not provided. Allele origin: germline. Inheritance: Autosomal recessive inheritance. Affected: yes.